The following is an entry in ClinVar:

ClinVar aggregate classification (germline): Uncertain significance (1 of 4 stars; one submission).

Submission:

GeneDx
Classification: Uncertain significance. Last evaluated: 2023-02-19. Review status: criteria provided, single submitter. Criteria: GeneDx Variant Classification Process June 2021. Collection method: clinical testing. Allele origin: germline. Affected: yes.
Comment: Not observed at significant frequency in large population cohorts (gnomAD); In-frame insertion of 3 amino acids in a non-repeat region; Has not been previously published as pathogenic or benign to our knowledge

NM_017636.4(TRPM4):c.2379_2387dup (p.Leu796_Phe797insLeuLeuLeu)

Gene: TRPM4 (transient receptor potential cation channel subfamily M member 4; plus strand). Cytogenetic location: 19q13.33.
Variant type: Duplication.
Coding change: c.2379_2387dup on transcript NM_017636.4 (MANE Select); coding-DNA positions 2379 to 2387, 9 bases duplicated (CCTGCTGCT; older notation c.2379_2387dupCCTGCTGCT).
Protein change: p.Leu796_Phe797insLeuLeuLeu.
Molecular consequence: inframe insertion. On other transcripts: intron variant (1).
Genome position (GRCh38, 1-based): chr19:49,196,608-49,196,616, CCTGCTGCT duplicated; duplicating any 9 consecutive bases within chr19:49,196,607-49,196,616 gives the same sequence; the c. name uses the placement nearest the transcript's 3' end. VCF-style (leftmost placement, unchanged base first): chr19-49196606-T-TTCCTGCTGC. GRCh37 (hg19) VCF-style: chr19-49699863-T-TTCCTGCTGC.
Other names: c.2034_2042dup, p.Leu681_Phe682insLeuLeuLeu (NM_001321281.2); c.771_779dup, p.Leu260_Phe261insLeuLeuLeu (NM_001321282.2); c.1857_1865dup, p.Leu622_Phe623insLeuLeuLeu (NM_001321283.2); c.1317_1325dup, p.Leu442_Phe443insLeuLeuLeu (NM_001321285.2); c.2211-3692_2211-3684dup (NM_001195227.2).
Identifiers: ClinVar variation 2576706 (VCV002576706.1), dbSNP rs2514178522, ClinGen allele CA2580614935.